The following is an entry in ClinVar:

ClinVar aggregate classification (germline): Likely pathogenic (1 of 4 stars; one submission).

Conditions:
Glanzmann thrombasthenia. Also called: BLEEDING DISORDER, PLATELET-TYPE, 2; THROMBASTHENIA OF GLANZMANN AND NAEGELI; PLATELET GLYCOPROTEIN IIb-IIIa DEFICIENCY; Thrombasthenia; Glanzmann's thrombasthenia. Identifiers: Orphanet 849, MedGen C0040015, MONDO:0100326.

Submission:

Labcorp Genetics (formerly Invitae), Labcorp
Classification: Likely pathogenic for Glanzmann thrombasthenia. Last evaluated: 2024-05-29. Review status: criteria provided, single submitter. Criteria: Invitae Variant Classification Sherloc (09022015). Collection method: clinical testing. Allele origin: germline.
Comment: This sequence change affects a donor splice site in intron 19 of the ITGA2B gene. It is expected to disrupt RNA splicing. Variants that disrupt the donor or acceptor splice site typically lead to a loss of protein function (PMID: 16199547), and loss-of-function variants in ITGA2B are known to be pathogenic (PMID: 21917754). This variant is not present in population databases (gnomAD no frequency). Disruption of this splice site has been observed in individual(s) with clinical features of autosomal recessive ITGA2B-related conditions (PMID: 15099289). ClinVar contains an entry for this variant (Variation ID: 2133608). Algorithms developed to predict the effect of sequence changes on RNA splicing suggest that this variant may disrupt the consensus splice site. In summary, the currently available evidence indicates that the variant is pathogenic, but additional data are needed to prove that conclusively. Therefore, this variant has been classified as Likely Pathogenic.

Literature cited by the submitters: PubMed 16199547; PubMed 21917754; PubMed 15099289.

NM_000419.5(ITGA2B):c.1946+2T>G

Gene: ITGA2B (integrin subunit alpha 2b; minus strand). Cytogenetic location: 17q21.31.
Variant type: single nucleotide variant.
Coding change: c.1946+2T>G on transcript NM_000419.5 (MANE Select); the canonical splice donor site of the intron after coding-DNA position 1946, T replaced by G.
Molecular consequence: splice donor variant.
Genome position (GRCh38, 1-based): chr17:44,378,641, A>C on the plus strand (T>G on the coding strand, the complement: ITGA2B is on the minus strand). VCF-style: chr17-44378641-A-C. GRCh37 (hg19) VCF-style: chr17-42456009-A-C.
Identifiers: ClinVar variation 2133608 (VCV002133608.4), dbSNP rs2143452148, ClinGen allele CA399801099.